The following is an entry in ClinVar:

ClinVar aggregate classification (germline): Conflicting classifications of pathogenicity. Review status: criteria provided, conflicting classifications (1 of 4 stars). 4 submissions from 4 submitters: Uncertain significance (2); Likely benign (2). Last evaluated 2025-07-23.

Conditions:
FLNC-related disorder. Also called: FLNC-related condition; FLNC-related disorders.
Hypertrophic cardiomyopathy 26. Also called: Cardiomyopathy, familial hypertrophic, 26. Identifiers: Orphanet 75249, MedGen C4310749, MONDO:0014883, OMIM 617047.
Distal myopathy with posterior leg and anterior hand involvement. Also called: WILLIAMS DISTAL MYOPATHY. Identifiers: Orphanet 63273, MedGen C3279722, MONDO:0013550, OMIM 614065.
Myofibrillar myopathy 5. Also called: Filaminopathy (type); FILAMINOPATHY, AUTOSOMAL DOMINANT. Identifiers: Orphanet 171445, MedGen C1836050, MONDO:0012289, OMIM 609524.
Cardiovascular phenotype. Identifiers: MedGen CN230736.

Allele frequency attached by ClinVar (database versions not stated): gnomAD 0.00003 and 0.00004; ExAC 0.00008; ESP Exome Variant Server 0.00008; TOPMed 0.00009.
gnomAD v4.1: 50 of 1,613,624 alleles (0.0031%); highest among the groups gnomAD compares: South Asian, 0.045%; 2 homozygotes.

Submissions (4):

PreventionGenetics, part of Exact Sciences
Classification: Likely benign for FLNC-related condition. Last evaluated: 2025-07-23. Review status: criteria provided, single submitter. Criteria: ACMG Guidelines, 2015. Collection method: clinical testing. Allele origin: germline.
Comment: This variant is classified as likely benign based on ACMG/AMP sequence variant interpretation guidelines (Richards et al. 2015 PMID: 25741868, with internal and published modifications).

Labcorp Genetics (formerly Invitae), Labcorp
Classification: Likely benign for Distal myopathy with posterior leg and anterior hand involvement; Myofibrillar myopathy 5; Hypertrophic cardiomyopathy 26. Last evaluated: 2025-04-28. Review status: criteria provided, single submitter. Criteria: Invitae Variant Classification Sherloc (09022015). Collection method: clinical testing. Allele origin: germline.

Ambry Genetics
Classification: Uncertain significance for Cardiovascular phenotype. Last evaluated: 2024-02-22. Review status: criteria provided, single submitter. Criteria: Ambry Variant Classification Scheme 2023. Collection method: clinical testing. Allele origin: germline.
Comment: The p.T1317A variant (also known as c.3949A>G), located in coding exon 22 of the FLNC gene, results from an A to G substitution at nucleotide position 3949. The threonine at codon 1317 is replaced by alanine, an amino acid with similar properties. This amino acid position is highly conserved in available vertebrate species. In addition, this alteration is predicted to be deleterious by in silico analysis. Based on the available evidence, the clinical significance of this alteration remains unclear.

Eurofins Ntd Llc (ga)
Classification: Uncertain significance. Last evaluated: 2017-10-13. Review status: criteria provided, single submitter. Criteria: EGL Classification Definitions 2015. Collection method: clinical testing. Allele origin: germline. Observed: 1 variant allele, 1 heterozygote.

NM_001458.5(FLNC):c.3949A>G (p.Thr1317Ala)

Gene: FLNC (filamin C; plus strand). Cytogenetic location: 7q32.1.
Variant type: single nucleotide variant.
Coding change: c.3949A>G on transcript NM_001458.5 (MANE Select); coding-DNA position 3949, A replaced by G.
Protein change: p.Thr1317Ala; replaces threonine 1317 with alanine.
Molecular consequence: missense variant.
Genome position (GRCh38, 1-based): chr7:128,846,148, A>G. VCF-style: chr7-128846148-A-G. GRCh37 (hg19) VCF-style: chr7-128486202-A-G.
Other names: c.3949A>G, p.Thr1317Ala (NM_001127487.2); short protein forms T1317A.
Identifiers: ClinVar variation 594279 (VCV000594279.14), dbSNP rs377555574, ClinGen allele CA4475181.
Genomic context (GRCh38, chr7:128,846,148, plus strand): 5'-GGGGCCAAGACAGACACCTATGTGACAGACAATGGGGACGGCACCTACCGAGTGCAGTAC[A>G]CCGCCTACGAGGAGGGTGAGGGCCGGTGGGCCAGGCTAGTGGGCAGGGCTGGGCAAGTGG-3'
Protein context (NP_001449.3, residues 1307-1327): NGDGTYRVQY[Thr1317Ala]AYEEGVHLVE